The following is an entry in ClinVar:

NM_032444.4(SLX4):c.668G>A (p.Arg223His)

Gene: SLX4 (SLX4 structure-specific endonuclease subunit; minus strand). Cytogenetic location: 16p13.3.
Variant type: single nucleotide variant.
Coding change: c.668G>A on transcript NM_032444.4 (MANE Select); coding-DNA position 668, G replaced by A.
Protein change: p.Arg223His; replaces arginine 223 with histidine.
Molecular consequence: missense variant.
Genome position (GRCh38, 1-based): chr16:3,606,566, C>T on the plus strand (G>A on the coding strand, the complement: SLX4 is on the minus strand). VCF-style: chr16-3606566-C-T. GRCh37 (hg19) VCF-style: chr16-3656567-C-T.
Other names: c.668G>A (LRG_503t1); short protein forms R223H.
Identifiers: ClinVar variation 526425 (VCV000526425.7), dbSNP rs762475814, ClinGen allele CA7866795.

ClinVar aggregate classification (germline): Uncertain significance. Review status: criteria provided, multiple submitters, no conflicts (2 of 4 stars). 2 submissions from 2 submitters: Uncertain significance (2). Last evaluated 2022-06-12.

Conditions:
Fanconi anemia (FA). Also called: Fanconi's anemia. Identifiers: Orphanet 84, MedGen C0015625, MeSH D005199, MONDO:0019391.
Fanconi anemia complementation group P. Also called: SLX4-Related Fanconi Anemia. Identifiers: Orphanet 84, MedGen C3469542, MONDO:0013499, OMIM 613951.

Allele frequency attached by ClinVar (database versions not stated): ExAC 0.00002; gnomAD exomes 0.00003 and 0.00008; gnomAD 0.00005; TOPMed 0.00005.
gnomAD v4.1: 122 of 1,614,062 alleles (0.0076%); highest among the groups gnomAD compares: Non-Finnish European, 0.0097%; no homozygotes.

Submissions (2):

Labcorp Genetics (formerly Invitae), Labcorp
Classification: Uncertain significance for Fanconi anemia. Last evaluated: 2022-06-12. Review status: criteria provided, single submitter. Criteria: Invitae Variant Classification Sherloc (09022015). Collection method: clinical testing. Allele origin: germline.
Comment: This sequence change replaces arginine, which is basic and polar, with histidine, which is basic and polar, at codon 223 of the SLX4 protein (p.Arg223His). This variant is present in population databases (rs762475814, gnomAD 0.005%). This variant has not been reported in the literature in individuals affected with SLX4-related conditions. ClinVar contains an entry for this variant (Variation ID: 526425). Algorithms developed to predict the effect of missense changes on protein structure and function are either unavailable or do not agree on the potential impact of this missense change (SIFT: "Deleterious"; PolyPhen-2: "Probably Damaging"; Align-GVGD: "Class C0"). In summary, the available evidence is currently insufficient to determine the role of this variant in disease. Therefore, it has been classified as a Variant of Uncertain Significance.

Fulgent Genetics
Classification: Uncertain significance for Fanconi anemia complementation group P. Last evaluated: 2021-12-01. Review status: criteria provided, single submitter. Criteria: ACMG Guidelines, 2015. Collection method: clinical testing. Allele origin: unknown.